The following is an entry in ClinVar:

NM_002439.5(MSH3):c.3193G>T (p.Ala1065Ser)

Gene: MSH3 (mutS homolog 3; plus strand). Cytogenetic location: 5q14.1.
Variant type: single nucleotide variant.
Coding change: c.3193G>T on transcript NM_002439.5 (MANE Select); coding-DNA position 3193, G replaced by T.
Protein change: p.Ala1065Ser; replaces alanine 1065 with serine.
Molecular consequence: missense variant.
Genome position (GRCh38, 1-based): chr5:80,873,178, G>T. VCF-style: chr5-80873178-G-T. GRCh37 (hg19) VCF-style: chr5-80168997-G-T.
Other names: short protein forms A1065S.
Identifiers: ClinVar variation 3874972 (VCV003874972.1).
Genomic context (GRCh38, chr5:80,873,178, plus strand): 5'-GCAGCAGAACAAGTCCCTGATTTTGTCACCTTCCTTTACCAAATAACTAGAGGAATTGCA[G>T]CAAGGAGTTATGGATTAAATGTGGCTAAACTAGCAGATGTTCCTGGAGAAATTTTGAAGA-3'
Protein context (NP_002430.3, residues 1055-1075): FLYQITRGIA[Ala1065Ser]RSYGLNVAKL

ClinVar aggregate classification (germline): Uncertain significance (1 of 4 stars; one submission).

Conditions:
Hereditary cancer-predisposing syndrome. Also called: Tumor predisposition; Neoplastic Syndromes, Hereditary; Hereditary Cancer Syndrome; Hereditary neoplastic syndrome. Identifiers: Orphanet 140162, MedGen C0027672, MeSH D009386, MONDO:0015356.

gnomAD v4.1: 1 of 1,613,738 alleles (0.000062%); highest among the groups gnomAD compares: Non-Finnish European, 0.000085%; no homozygotes.

Submission:

Ambry Genetics
Classification: Uncertain significance for Hereditary cancer-predisposing syndrome. Last evaluated: 2025-01-14. Review status: criteria provided, single submitter. Criteria: Ambry Variant Classification Scheme 2023. Collection method: clinical testing. Allele origin: germline.
Comment: The p.A1065S variant (also known as c.3193G>T), located in coding exon 23 of the MSH3 gene, results from a G to T substitution at nucleotide position 3193. The alanine at codon 1065 is replaced by serine, an amino acid with similar properties. This amino acid position is conserved. In addition, this alteration is predicted to be tolerated by in silico analysis. Based on the available evidence, the clinical significance of this variant remains unclear.